The following is an entry in ClinVar:

ClinVar aggregate classification (germline): Likely benign (0 of 4 stars; one submission).

Conditions:
DAAM1-related disorder. Also called: DAAM1-related condition.

Allele frequency attached by ClinVar (database versions not stated): gnomAD exomes below 0.00001.
gnomAD v4.1: 1 of 1,614,250 alleles (0.000062%); highest among the groups gnomAD compares: Non-Finnish European, 0.000085%; no homozygotes.

Submission:

PreventionGenetics, part of Exact Sciences
Classification: Likely benign for DAAM1-related condition. Last evaluated: 2023-08-30. Review status: no assertion criteria provided. Collection method: clinical testing. Allele origin: germline.
Comment: This variant is classified as likely benign based on ACMG/AMP sequence variant interpretation guidelines (Richards et al. 2015 PMID: 25741868, with internal and published modifications).

NM_001270520.2(DAAM1):c.24A>G (p.Gly8=)

Gene: DAAM1 (dishevelled associated activator of morphogenesis 1; plus strand). Cytogenetic location: 14q23.1.
Variant type: single nucleotide variant.
Coding change: c.24A>G on transcript NM_001270520.2 (MANE Select); coding-DNA position 24, A replaced by G.
Protein change: p.Gly8=; no amino-acid change (glycine 8 retained).
Molecular consequence: synonymous variant.
Genome position (GRCh38, 1-based): chr14:59,263,501, A>G. VCF-style: chr14-59263501-A-G. GRCh37 (hg19) VCF-style: chr14-59730219-A-G.
Other names: c.24A>G, p.Gly8= (NM_014992.2).
Identifiers: ClinVar variation 3031466 (VCV003031466.2), dbSNP rs2503059062, ClinGen allele CA486648469.